The following is an entry in ClinVar:

ClinVar aggregate classification (germline): Uncertain significance (1 of 4 stars; one submission).

Conditions:
Fanconi anemia (FA). Also called: Fanconi's anemia. Identifiers: Orphanet 84, MedGen C0015625, MeSH D005199, MONDO:0019391.

gnomAD v4.1: 1 of 1,614,222 alleles (0.000062%); no homozygotes.

Submission:

Labcorp Genetics (formerly Invitae), Labcorp
Classification: Uncertain significance for Fanconi anemia. Last evaluated: 2022-11-09. Review status: criteria provided, single submitter. Criteria: Invitae Variant Classification Sherloc (09022015). Collection method: clinical testing. Allele origin: germline.
Comment: In summary, the available evidence is currently insufficient to determine the role of this variant in disease. Therefore, it has been classified as a Variant of Uncertain Significance. Advanced modeling of protein sequence and biophysical properties (such as structural, functional, and spatial information, amino acid conservation, physicochemical variation, residue mobility, and thermodynamic stability) performed at Invitae indicates that this missense variant is not expected to disrupt FANCC protein function. This variant has not been reported in the literature in individuals affected with FANCC-related conditions. This variant is not present in population databases (gnomAD no frequency). This sequence change replaces leucine, which is neutral and non-polar, with phenylalanine, which is neutral and non-polar, at codon 496 of the FANCC protein (p.Leu496Phe).

NM_000136.3(FANCC):c.1486C>T (p.Leu496Phe)

Genes: AOPEP (aminopeptidase O (putative); plus strand), FANCC (FA complementation group C; minus strand). Cytogenetic location: 9q22.32.
Variant type: single nucleotide variant.
Coding change: c.1486C>T on transcript NM_000136.3 (MANE Select); coding-DNA position 1486, C replaced by T.
Protein change: p.Leu496Phe; replaces leucine 496 with phenylalanine.
Molecular consequence: missense variant.
Genome position (GRCh38, 1-based): chr9:95,107,113, G>A on the plus strand (C>T on the coding strand, the complement: FANCC is on the minus strand). VCF-style: chr9-95107113-G-A. GRCh37 (hg19) VCF-style: chr9-97869395-G-A.
Other names: c.1486C>T, p.Leu496Phe (NM_001243743.2); short protein forms L496F.
Identifiers: ClinVar variation 2813051 (VCV002813051.3), dbSNP rs2540808620, ClinGen allele CA374105662.